The following is an entry in ClinVar:

ClinVar aggregate classification (germline): Uncertain significance (1 of 4 stars; one submission).

Submission:

GeneDx
Classification: Uncertain significance. Last evaluated: 2023-03-31. Review status: criteria provided, single submitter. Criteria: GeneDx Variant Classification Process June 2021. Collection method: clinical testing. Allele origin: germline. Affected: yes.
Comment: Not observed at significant frequency in large population cohorts (gnomAD); Frameshift variant predicted to result in protein truncation or nonsense mediated decay in a gene or region of a gene for which loss of function is not a well-established mechanism of disease; Has not been previously published as pathogenic or benign to our knowledge; Variants in candidate genes are classified as variants of uncertain significance in accordance with ACMG guidelines (Richards et al., 2015)

NM_018897.3(DNAH7):c.2162dup (p.Ala722fs)

Gene: DNAH7 (dynein axonemal heavy chain 7; minus strand). Cytogenetic location: 2q32.3.
Variant type: Duplication.
Coding change: c.2162dup on transcript NM_018897.3 (MANE Select); coding-DNA position 2162, one base duplicated (A; older notation c.2162dupA).
Protein change: p.Ala722fs; shifts the reading frame from alanine 722.
Molecular consequence: frameshift variant.
Genome position (GRCh38, 1-based): chr2:195,969,991, T duplicated on the plus strand (A on the coding strand, the reverse complement: DNAH7 is on the minus strand); the first of 6 consecutive T bases (chr2:195,969,991-195,969,996); duplicating any one gives the same sequence. VCF-style (leftmost placement, unchanged base first): chr2-195969990-C-CT. GRCh37 (hg19) VCF-style: chr2-196834714-C-CT.
Other names: short protein forms A722fs.
Identifiers: ClinVar variation 3342975 (VCV003342975.1).